The following is an entry in ClinVar:

ClinVar aggregate classification (germline): Uncertain significance (1 of 4 stars; one submission).

Conditions:
Pyruvate dehydrogenase E2 deficiency (PDHDD). Also called: Dihydrolipoamide Acetyltransferase (E2) Deficiency; LACTIC ACIDEMIA DUE TO DEFECT OF E2 LIPOYL TRANSACETYLASE OF THE PYRUVATE DEHYDROGENASE COMPLEX. Identifiers: Orphanet 765, Orphanet 79244, MedGen C1855565, MONDO:0009502, OMIM 245348.

Allele frequency attached by ClinVar (database versions not stated): gnomAD exomes below 0.00001 and 0.00001.
gnomAD v4.1: 10 of 1,609,154 alleles (0.00062%); highest among the groups gnomAD compares: Non-Finnish European, 0.00085%; no homozygotes.

Submission:

Labcorp Genetics (formerly Invitae), Labcorp
Classification: Uncertain significance for Pyruvate dehydrogenase E2 deficiency. Last evaluated: 2022-10-13. Review status: criteria provided, single submitter. Criteria: Invitae Variant Classification Sherloc (09022015). Collection method: clinical testing. Allele origin: germline.
Comment: Advanced modeling of protein sequence and biophysical properties (such as structural, functional, and spatial information, amino acid conservation, physicochemical variation, residue mobility, and thermodynamic stability) performed at Invitae indicates that this missense variant is expected to disrupt DLAT protein function. In summary, the available evidence is currently insufficient to determine the role of this variant in disease. Therefore, it has been classified as a Variant of Uncertain Significance. ClinVar contains an entry for this variant (Variation ID: 1426316). This variant has not been reported in the literature in individuals affected with DLAT-related conditions. This variant is present in population databases (no rsID available, gnomAD 0.0009%). This sequence change replaces leucine, which is neutral and non-polar, with serine, which is neutral and polar, at codon 568 of the DLAT protein (p.Leu568Ser).

NM_001931.5(DLAT):c.1703T>C (p.Leu568Ser)

Genes: DLAT (dihydrolipoamide S-acetyltransferase; plus strand), PIH1D2 (PIH1 domain containing 2; minus strand). Cytogenetic location: 11q23.1.
Variant type: single nucleotide variant.
Coding change: c.1703T>C on transcript NM_001931.5 (MANE Select); coding-DNA position 1703, T replaced by C.
Protein change: p.Leu568Ser; replaces leucine 568 with serine.
Molecular consequence: missense variant. On other transcripts: non-coding transcript variant (1).
Genome position (GRCh38, 1-based): chr11:112,061,063, T>C. VCF-style: chr11-112061063-T-C. GRCh37 (hg19) VCF-style: chr11-111931787-T-C.
Other names: c.1721T>C, p.Leu574Ser (NM_001372031.1); c.1697T>C, p.Leu566Ser (NM_001372032.1); c.1682T>C, p.Leu561Ser (NM_001372033.1); c.1670T>C, p.Leu557Ser (NM_001372034.1); c.1595T>C, p.Leu532Ser (NM_001372035.1); c.1577T>C, p.Leu526Ser (NM_001372036.1); c.1535T>C, p.Leu512Ser (NM_001372037.1); c.1424T>C, p.Leu475Ser (NM_001372038.1); and 4 more; short protein forms L414S, L475S, L526S, L532S, L568S, L427S, L557S, L561S.
Identifiers: ClinVar variation 1426316 (VCV001426316.6), dbSNP rs1566642089, ClinGen allele CA382618120.